The following is an entry in ClinVar:

NM_024426.6(WT1):c.230A>T (p.Asp77Val)

Genes: WT1 (WT1 transcription factor; minus strand), LOC107982234 (WT1/WT1-AS bi-directional promoter region; plus strand). Cytogenetic location: 11p13.
Variant type: single nucleotide variant.
Coding change: c.230A>T on transcript NM_024426.6 (MANE Select); coding-DNA position 230, A replaced by T.
Protein change: p.Asp77Val; replaces aspartic acid 77 with valine.
Molecular consequence: missense variant. On other transcripts: non-coding transcript variant (1).
Genome position (GRCh38, 1-based): chr11:32,435,131, T>A on the plus strand (A>T on the coding strand, the complement: WT1 is on the minus strand). VCF-style: chr11-32435131-T-A. GRCh37 (hg19) VCF-style: chr11-32456677-T-A.
Other names: c.230A>T, p.Asp77Val (NM_000378.6, NM_001407044.1, NM_001407045.1 and 6 more transcripts); c.215A>T, p.Asp72Val (NM_024425.2); short protein forms D72V, D77V.
Identifiers: ClinVar variation 2128791 (VCV002128791.4), dbSNP rs2133105880, ClinGen allele CA379966111.
Genomic context (GRCh38, chr11:32,435,131, plus strand): 5'-CAGCCGCCGCCGCCACCCAGGGAGGGGACGGCGGGCAGCAGCGCGTTCAGGTCCCGCACG[T>A]CGGAGCCCATTTGCTGCGGCTCAGACCCGGACGCCCCGCGGCTCCTCCGGCCCTGGAGAC-3'
Protein context (NP_077744.4, residues 67-87): SGSEPQQMGS[Asp77Val]VRDLNALLPA

ClinVar aggregate classification (germline): Uncertain significance (1 of 4 stars; one submission).

Conditions:
Drash syndrome (DDS). Also called: WILMS TUMOR AND PSEUDO- OR TRUE HERMAPHRODITISM; NEPHROPATHY, WILMS TUMOR, AND GENITAL ANOMALIES. Identifiers: Orphanet 220, MedGen C0950121, MONDO:0008682, OMIM 194080.
Frasier syndrome. Identifiers: Orphanet 347, MedGen C0950122, MeSH D052159, MONDO:0007635, OMIM 136680.
Wilms tumor 1 (WT1). Also called: Wilms tumor, somatic. Identifiers: Orphanet 654, MedGen CN033288, MONDO:0008679, OMIM 194070.
11p partial monosomy syndrome (WAGR). Also called: WAGR Complex; WAGR Spectrum Disorder; WAGR syndrome; CHROMOSOME 11p13 DELETION SYNDROME. Identifiers: Orphanet 893, MedGen C0206115, MONDO:0008681, OMIM 194072.

Submission:

Labcorp Genetics (formerly Invitae), Labcorp
Classification: Uncertain significance for Wilms tumor 1; Drash syndrome; 11p partial monosomy syndrome; Frasier syndrome. Last evaluated: 2022-04-21. Review status: criteria provided, single submitter. Criteria: Invitae Variant Classification Sherloc (09022015). Collection method: clinical testing. Allele origin: germline.
Comment: This variant is not present in population databases (gnomAD no frequency). In summary, the available evidence is currently insufficient to determine the role of this variant in disease. Therefore, it has been classified as a Variant of Uncertain Significance. Algorithms developed to predict the effect of missense changes on protein structure and function are either unavailable or do not agree on the potential impact of this missense change (SIFT: "Deleterious"; PolyPhen-2: "Probably Damaging"; Align-GVGD: "Class C15"). This variant has not been reported in the literature in individuals affected with WT1-related conditions. This sequence change replaces aspartic acid, which is acidic and polar, with valine, which is neutral and non-polar, at codon 72 of the WT1 protein (p.Asp72Val).